The following is an entry in ClinVar:

NM_016277.5(RAB23):c.28A>G (p.Ile10Val)

Gene: RAB23 (RAB23, member RAS oncogene family; minus strand). Cytogenetic location: 6p11.2.
Variant type: single nucleotide variant.
Coding change: c.28A>G on transcript NM_016277.5 (MANE Select); coding-DNA position 28, A replaced by G.
Protein change: p.Ile10Val; replaces isoleucine 10 with valine.
Molecular consequence: missense variant. On other transcripts: non-coding transcript variant (1).
Genome position (GRCh38, 1-based): chr6:57,210,353, T>C on the plus strand (A>G on the coding strand, the complement: RAB23 is on the minus strand). VCF-style: chr6-57210353-T-C. GRCh37 (hg19) VCF-style: chr6-57075151-T-C.
Other names: c.28A>G, p.Ile10Val (NM_001278666.2, NM_001278667.2, NM_001278668.2 and 1 more transcripts); short protein forms I10V.
Identifiers: ClinVar variation 3356399 (VCV003356399.1).

ClinVar aggregate classification (germline): Uncertain significance (0 of 4 stars; one submission).

Conditions:
RAB23-related disorder. Also called: RAB23-related condition.

gnomAD v4.1: 9 of 1,614,036 alleles (0.00056%); highest among the groups gnomAD compares: African/African-American, 0.0067%; no homozygotes.

Submission:

PreventionGenetics, part of Exact Sciences
Classification: Uncertain significance for RAB23-related condition. Last evaluated: 2024-03-01. Review status: no assertion criteria provided. Collection method: clinical testing. Allele origin: germline.
Comment: The RAB23 c.28A>G variant is predicted to result in the amino acid substitution p.Ile10Val. To our knowledge, this variant has not been reported in the literature. This variant is reported in 0.011% of alleles in individuals of African descent in gnomAD. At this time, the clinical significance of this variant is uncertain due to the absence of conclusive functional and genetic evidence.